The following is an entry in ClinVar:

ClinVar aggregate classification (germline): Uncertain significance (1 of 4 stars; one submission).

Conditions:
Infantile-onset X-linked spinal muscular atrophy. Also called: Spinal Muscular Atrophy, X-Linked Infantile; Spinal muscular atrophy, X-linked 2; AMC, DISTAL, X-LINKED; ARTHROGRYPOSIS, X-LINKED, TYPE I; SPINAL MUSCULAR ATROPHY, X-LINKED LETHAL INFANTILE. Identifiers: Orphanet 1145, MedGen C1844934, MONDO:0010532, OMIM 301830.

Submission:

Labcorp Genetics (formerly Invitae), Labcorp
Classification: Uncertain significance for Infantile-onset X-linked spinal muscular atrophy. Last evaluated: 2025-01-15. Review status: criteria provided, single submitter. Criteria: Invitae Variant Classification Sherloc (09022015). Collection method: clinical testing. Allele origin: germline.
Comment: This sequence change replaces valine, which is neutral and non-polar, with leucine, which is neutral and non-polar, at codon 152 of the UBA1 protein (p.Val152Leu). This variant is not present in population databases (gnomAD no frequency). This variant has not been reported in the literature in individuals affected with UBA1-related conditions. An algorithm developed to predict the effect of missense changes on protein structure and function (PolyPhen-2) suggests that this variant is likely to be tolerated. In summary, the available evidence is currently insufficient to determine the role of this variant in disease. Therefore, it has been classified as a Variant of Uncertain Significance.

NM_003334.4(UBA1):c.454G>C (p.Val152Leu)

Gene: UBA1 (ubiquitin like modifier activating enzyme 1; plus strand). Cytogenetic location: Xp11.3.
Variant type: single nucleotide variant.
Coding change: c.454G>C on transcript NM_003334.4 (MANE Select); coding-DNA position 454, G replaced by C.
Protein change: p.Val152Leu; replaces valine 152 with leucine.
Molecular consequence: missense variant.
Genome position (GRCh38, 1-based): chrX:47,199,588, G>C. VCF-style: chrX-47199588-G-C. GRCh37 (hg19) VCF-style: chrX-47058987-G-C.
Other names: c.454G>C, p.Val152Leu (NM_153280.3); short protein forms V152L.
Identifiers: ClinVar variation 3616881 (VCV003616881.2).